The following is an entry in ClinVar:

NM_000038.6(APC):c.6044A>G (p.Glu2015Gly)

Gene: APC (APC regulator of Wnt signaling pathway; plus strand). Cytogenetic location: 5q22.2.
Variant type: single nucleotide variant.
Coding change: c.6044A>G on transcript NM_000038.6 (MANE Select); coding-DNA position 6044, A replaced by G.
Protein change: p.Glu2015Gly; replaces glutamic acid 2015 with glycine.
Molecular consequence: missense variant.
Genome position (GRCh38, 1-based): chr5:112,841,638, A>G. VCF-style: chr5-112841638-A-G. GRCh37 (hg19) VCF-style: chr5-112177335-A-G.
Other names: c.6044A>G, p.Glu2015Gly (NM_001127510.3, NM_001354895.2); c.5990A>G, p.Glu1997Gly (NM_001127511.3); c.6098A>G, p.Glu2033Gly (NM_001354896.2); c.6074A>G, p.Glu2025Gly (NM_001354897.2); c.5969A>G, p.Glu1990Gly (NM_001354898.2); c.5960A>G, p.Glu1987Gly (NM_001354899.2); c.5921A>G, p.Glu1974Gly (NM_001354900.2); c.5867A>G, p.Glu1956Gly (NM_001354901.2); and 5 more; short protein forms E1956G, E1987G, E1997G, E1924G, E1974G, E2015G, E2033G, E1732G.
Identifiers: ClinVar variation 1500060 (VCV001500060.8), dbSNP rs2149955596, ClinGen allele CA16034556.

ClinVar aggregate classification (germline): Uncertain significance. Review status: criteria provided, multiple submitters, no conflicts (2 of 4 stars). 2 submissions from 2 submitters: Uncertain significance (2). Last evaluated 2024-08-12.

Conditions:
Hereditary cancer-predisposing syndrome. Also called: Tumor predisposition; Hereditary neoplastic syndrome; Neoplastic Syndromes, Hereditary; Hereditary Cancer Syndrome. Identifiers: Orphanet 140162, MedGen C0027672, MeSH D009386, MONDO:0015356.
Familial adenomatous polyposis 1 (FAP1). Also called: FAMILIAL ADENOMATOUS POLYPOSIS 1, ATTENUATED; POLYPOSIS, ADENOMATOUS INTESTINAL. Identifiers: MedGen C2713442, MONDO:0021056, OMIM 175100. Disease mechanism: loss of function.

gnomAD v4.1: 1 of 1,613,506 alleles (0.000062%); highest among the groups gnomAD compares: South Asian, 0.0011%; no homozygotes.

Submissions (2):

Labcorp Genetics (formerly Invitae), Labcorp
Classification: Uncertain significance for Familial adenomatous polyposis 1. Last evaluated: 2024-08-12. Review status: criteria provided, single submitter. Criteria: Invitae Variant Classification Sherloc (09022015). Collection method: clinical testing. Allele origin: germline.
Comment: This sequence change replaces glutamic acid, which is acidic and polar, with glycine, which is neutral and non-polar, at codon 2015 of the APC protein (p.Glu2015Gly). This variant is not present in population databases (gnomAD no frequency). This variant has not been reported in the literature in individuals affected with APC-related conditions. ClinVar contains an entry for this variant (Variation ID: 1500060). Advanced modeling of protein sequence and biophysical properties (such as structural, functional, and spatial information, amino acid conservation, physicochemical variation, residue mobility, and thermodynamic stability) performed at Invitae indicates that this missense variant is not expected to disrupt APC protein function with a negative predictive value of 95%. In summary, the available evidence is currently insufficient to determine the role of this variant in disease. Therefore, it has been classified as a Variant of Uncertain Significance.

Ambry Genetics
Classification: Uncertain significance for Hereditary cancer-predisposing syndrome. Last evaluated: 2022-01-03. Review status: criteria provided, single submitter. Criteria: Ambry Variant Classification Scheme 2023. Collection method: clinical testing. Allele origin: germline.
Comment: The p.E2015G variant (also known as c.6044A>G), located in coding exon 15 of the APC gene, results from an A to G substitution at nucleotide position 6044. The glutamic acid at codon 2015 is replaced by glycine, an amino acid with similar properties. This amino acid position is highly conserved in available vertebrate species. In addition, in silico predictors for this gene do not accurately predict pathogenicity. Since supporting evidence is limited at this time, the clinical significance of this alteration remains unclear.